The following is an entry in ClinVar:

NM_025114.4(CEP290):c.5614del (p.Ser1872fs)

Gene: CEP290 (centrosomal protein 290; minus strand). Cytogenetic location: 12q21.32.
Variant type: Deletion.
Coding change: c.5614del on transcript NM_025114.4 (MANE Select); coding-DNA position 5614, one base deleted (A; older notation c.5614delA).
Protein change: p.Ser1872fs; shifts the reading frame from serine 1872.
Molecular consequence: frameshift variant.
Genome position (GRCh38, 1-based): chr12:88,077,317, T deleted on the plus strand (A on the coding strand, the reverse complement: CEP290 is on the minus strand); the first of 3 consecutive T bases (chr12:88,077,317-88,077,319); deleting any one gives the same sequence. VCF-style (leftmost placement, unchanged base first): chr12-88077316-CT-C. GRCh37 (hg19) VCF-style: chr12-88471093-CT-C.
Other names: c.5614del (NM_025114.3); short protein forms S1872fs.
Identifiers: ClinVar variation 2000349 (VCV002000349.6), dbSNP rs1565821736, ClinGen allele CA606453516.

ClinVar aggregate classification (germline): Pathogenic/Likely pathogenic. Review status: criteria provided, multiple submitters, no conflicts (2 of 4 stars). 3 submissions from 3 submitters: Pathogenic (2); Likely pathogenic (1). Last evaluated 2025-06-01.

Conditions:
Joubert syndrome. Also called: CEREBELLOPARENCHYMAL DISORDER IV; JOUBERT-BOLTSHAUSER SYNDROME; Familial aplasia of the vermis. Identifiers: Orphanet 475, MedGen C5979921, MONDO:0018772.
Meckel-Gruber syndrome. Also called: DYSENCEPHALIA SPLANCHNOCYSTICA; GRUBER SYNDROME; Dysencephalia splachnocystica. Identifiers: Orphanet 564, MedGen C0265215, MONDO:0018921.
Nephronophthisis. Also called: Juvenile Nephronophthisis. Identifiers: Orphanet 655, MedGen C0687120, MONDO:0019005, HP:0000090.
Leber congenital amaurosis (LCA). Also called: Leber's amaurosis. Identifiers: Orphanet 65, MedGen C0339527, MeSH D057130, MONDO:0018998.

Submissions (3):

Natera, Inc.
Classification: Likely pathogenic for Leber congenital amaurosis. Last evaluated: 2025-06-01. Review status: criteria provided, single submitter. Criteria: Natera Variant Classification Schema (03/2026). Collection method: clinical testing. Allele origin: germline.
Comment: The c.5614del variant in CEP290 is a frameshift variant predicted to shift the reading frame beginning at codon 1872 and leads to a stop codon 2 codons downstream. This variant is expected to result in nonsense mediated decay, truncation, or a dysfunctional protein product. This variant is rare in the general population with a frequency below the threshold expected for the associated phenotype(s). Given the available evidence, this variant is classified as Likely Pathogenic.

Labcorp Genetics (formerly Invitae), Labcorp
Classification: Pathogenic for Joubert syndrome; Meckel-Gruber syndrome; Nephronophthisis. Last evaluated: 2023-12-11. Review status: criteria provided, single submitter. Criteria: Invitae Variant Classification Sherloc (09022015). Collection method: clinical testing. Allele origin: germline.
Comment: This sequence change creates a premature translational stop signal (p.Ser1872Valfs*2) in the CEP290 gene. It is expected to result in an absent or disrupted protein product. Loss-of-function variants in CEP290 are known to be pathogenic (PMID: 16909394, 17345604, 20690115). This variant is present in population databases (no rsID available, gnomAD 0.02%). This variant has not been reported in the literature in individuals affected with CEP290-related conditions. ClinVar contains an entry for this variant (Variation ID: 2000349). For these reasons, this variant has been classified as Pathogenic.

GeneDx
Classification: Pathogenic. Last evaluated: 2023-10-29. Review status: criteria provided, single submitter. Criteria: GeneDx Variant Classification Process June 2021. Collection method: clinical testing. Allele origin: germline. Affected: yes.
Comment: Frameshift variant predicted to result in protein truncation or nonsense mediated decay in a gene for which loss of function is a known mechanism of disease; Reported previously in an unaffected carrier in a publication; however, no further information was provided (PMID: 31964843); This variant is associated with the following publications: (PMID: 31964843)

Literature cited by the submitters: PubMed 16909394 (cited by Labcorp Genetics (formerly Invitae), Labcorp); PubMed 17345604 (cited by Labcorp Genetics (formerly Invitae), Labcorp); PubMed 20690115 (cited by Labcorp Genetics (formerly Invitae), Labcorp).